The following is an entry in ClinVar:

ClinVar aggregate classification (germline): Conflicting classifications of pathogenicity. Review status: criteria provided, conflicting classifications (1 of 4 stars). 2 submissions from 2 submitters: Uncertain significance (1); Likely benign (1). Last evaluated 2025-08-11.

Conditions:
Marfan syndrome (MFS). Also called: MARFAN SYNDROME, TYPE I; Marfan syndrome type 1; Marfan's syndrome; FBN1-Related Marfan Syndrome; Marfan syndrome, classic. Identifiers: Orphanet 284963, Orphanet 558, MedGen C0024796, MONDO:0007947, OMIM 154700.
Familial thoracic aortic aneurysm and aortic dissection (TAAD). Also called: Thoracic aortic aneurysms and dissections. Identifiers: Orphanet 91387, MedGen C4707243, MONDO:0019625.

gnomAD v4.1: 2 of 1,614,224 alleles (0.00012%); highest among the groups gnomAD compares: Non-Finnish European, 0.00017%; no homozygotes.

Submissions (2):

Labcorp Genetics (formerly Invitae), Labcorp
Classification: Likely benign for Marfan syndrome; Familial thoracic aortic aneurysm and aortic dissection. Last evaluated: 2025-08-11. Review status: criteria provided, single submitter. Criteria: Invitae Variant Classification Sherloc (09022015). Collection method: clinical testing. Allele origin: germline.

GeneDx
Classification: Uncertain significance. Last evaluated: 2024-12-23. Review status: criteria provided, single submitter. Criteria: GeneDx Variant Classification Process June 2021. Collection method: clinical testing. Allele origin: germline. Affected: yes.
Comment: Has not been previously published as pathogenic or benign to our knowledge; Not observed at significant frequency in large population cohorts (gnomAD); In silico analysis supports that this missense variant does not alter protein structure/function; This variant is associated with the following publications: (PMID: 12938084)

NM_000138.5(FBN1):c.7957G>A (p.Gly2653Ser)

Gene: FBN1 (fibrillin 1; minus strand). Cytogenetic location: 15q21.1.
Variant type: single nucleotide variant.
Coding change: c.7957G>A on transcript NM_000138.5 (MANE Select); coding-DNA position 7957, G replaced by A.
Protein change: p.Gly2653Ser; replaces glycine 2653 with serine.
Molecular consequence: missense variant.
Genome position (GRCh38, 1-based): chr15:48,415,630, C>T on the plus strand (G>A on the coding strand, the complement: FBN1 is on the minus strand). VCF-style: chr15-48415630-C-T. GRCh37 (hg19) VCF-style: chr15-48707827-C-T.
Other names: c.7957G>A, p.Gly2653Ser (NM_001406716.1); short protein forms G2653S.
Identifiers: ClinVar variation 3371966 (VCV003371966.3).